The following is an entry in ClinVar:

NM_130468.4(CHST14):c.275G>T (p.Gly92Val)

Gene: CHST14 (carbohydrate sulfotransferase 14; plus strand). Cytogenetic location: 15q15.1.
Variant type: single nucleotide variant.
Coding change: c.275G>T on transcript NM_130468.4 (MANE Select); coding-DNA position 275, G replaced by T.
Protein change: p.Gly92Val; replaces glycine 92 with valine.
Molecular consequence: missense variant.
Genome position (GRCh38, 1-based): chr15:40,471,488, G>T. VCF-style: chr15-40471488-G-T. GRCh37 (hg19) VCF-style: chr15-40763687-G-T.
Other names: short protein forms G92V.
Identifiers: ClinVar variation 536423 (VCV000536423.9), dbSNP rs754720949, ClinGen allele CA7481570.
Genomic context (GRCh38, chr15:40,471,488, plus strand): 5'-CCCTGCACCCGCCCGGCCGCGAGGGCACAGCCTGGCGCGGGAAAGCCCCCAAGCCTGGGG[G>T]CCTGTCCCTCAGGGCTGGGGACGCGGACTTGCAAGTGCGGCAGGACGTCCGGAACAGGAC-3'
Protein context (NP_569735.1, residues 82-102): AWRGKAPKPG[Gly92Val]LSLRAGDADL

ClinVar aggregate classification (germline): Uncertain significance (1 of 4 stars; one submission).

Conditions:
Ehlers-Danlos syndrome, musculocontractural type (EDSMC). Also called: DUNDAR SYNDROME; Adducted thumb, clubfoot, progressive joint and skin laxity syndrome; ARTHROGRYPOSIS, DISTAL, WITH PECULIAR FACIES AND HYDRONEPHROSIS; ADDUCTED THUMB-CLUBFOOT SYNDROME. Identifiers: Orphanet 2953, MedGen C1866294, MONDO:0011142.

Allele frequency attached by ClinVar (database versions not stated): ExAC 0.00001.

Submission:

Labcorp Genetics (formerly Invitae), Labcorp
Classification: Uncertain significance for Ehlers-Danlos syndrome, musculocontractural type. Last evaluated: 2018-11-03. Review status: criteria provided, single submitter. Criteria: Invitae Variant Classification Sherloc (09022015). Collection method: clinical testing. Allele origin: germline.
Comment: Algorithms developed to predict the effect of missense changes on protein structure and function (SIFT, PolyPhen-2, Align-GVGD) all suggest that this variant is likely to be tolerated, but these predictions have not been confirmed by published functional studies and their clinical significance is uncertain. In summary, the available evidence is currently insufficient to determine the role of this variant in disease. Therefore, it has been classified as a Variant of Uncertain Significance. This variant has not been reported in the literature in individuals with CHST14-related disease. ClinVar contains an entry for this variant (Variation ID: 536423). This variant is present in population databases (rs754720949, ExAC 0.002%). This sequence change replaces glycine with valine at codon 92 of the CHST14 protein (p.Gly92Val). The glycine residue is weakly conserved and there is a moderate physicochemical difference between glycine and valine.